The following is an entry in ClinVar:

NM_001384732.1(CPLANE1):c.3130C>T (p.Arg1044Cys)

Gene: CPLANE1 (ciliogenesis and planar polarity effector complex subunit 1; minus strand). Cytogenetic location: 5p13.2.
Variant type: single nucleotide variant.
Coding change: c.3130C>T on transcript NM_001384732.1 (MANE Select); coding-DNA position 3130, C replaced by T.
Protein change: p.Arg1044Cys; replaces arginine 1044 with cysteine.
Molecular consequence: missense variant.
Genome position (GRCh38, 1-based): chr5:37,206,216, G>A on the plus strand (C>T on the coding strand, the complement: CPLANE1 is on the minus strand). VCF-style: chr5-37206216-G-A. GRCh37 (hg19) VCF-style: chr5-37206318-G-A.
Other names: c.3130C>T, p.Arg1044Cys (NM_023073.4); short protein forms R1044C.
Identifiers: ClinVar variation 1361643 (VCV001361643.6), dbSNP rs376987361, ClinGen allele CA3238995.
Genomic context (GRCh38, chr5:37,206,216, plus strand): 5'-TTCAATCATACTATATCTTAAAATTGCCTAAAAATCCATACCTCATGAAATTGCTATCAC[G>A]TTTACAGAACAGCTGGAAAGCCACACCAATTGAAACAGACGTCTTCCAGTCTCCAAGTTT-3'
Protein context (NP_001371661.1, residues 1034-1054): IGVAFQLFCK[Arg1044Cys]DSNFMRSKKK

ClinVar aggregate classification (germline): Uncertain significance. Review status: criteria provided, multiple submitters, no conflicts (2 of 4 stars). 2 submissions from 2 submitters: Uncertain significance (2). Last evaluated 2024-05-13.

Conditions:
Orofaciodigital syndrome type 6 (OFD6). Also called: OROFACIODIGITAL SYNDROME VI; OFDS VI; POLYDACTYLY, CLEFT LIP/PALATE OR LINGUAL LUMP, AND PSYCHOMOTOR RETARDATION; VARADI SYNDROME; VARADI-PAPP SYNDROME; Oral-facial-digital syndrome type 6. Identifiers: Orphanet 2754, MedGen C2745997, MONDO:0010176, OMIM 277170.
Joubert syndrome 17 (JBTS17). Identifiers: Orphanet 475, MedGen C3553264, MONDO:0013824, OMIM 614615.

Allele frequency attached by ClinVar (database versions not stated): gnomAD exomes 0.00004; gnomAD 0.00008; ExAC 0.00009; TOPMed 0.00018; ESP Exome Variant Server 0.00044.
gnomAD v4.1: 92 of 1,551,226 alleles (0.0059%); highest among the groups gnomAD compares: Admixed American, 0.02%; no homozygotes.

Submissions (2):

Fulgent Genetics
Classification: Uncertain significance for Orofaciodigital syndrome type 6; Joubert syndrome 17. Last evaluated: 2024-05-13. Review status: criteria provided, single submitter. Criteria: ACMG Guidelines, 2015. Collection method: clinical testing. Allele origin: germline.

Labcorp Genetics (formerly Invitae), Labcorp
Classification: Uncertain significance. Last evaluated: 2024-01-19. Review status: criteria provided, single submitter. Criteria: Invitae Variant Classification Sherloc (09022015). Collection method: clinical testing. Allele origin: germline.
Comment: This sequence change replaces arginine, which is basic and polar, with cysteine, which is neutral and slightly polar, at codon 1044 of the CPLANE1 protein (p.Arg1044Cys). This variant is present in population databases (rs376987361, gnomAD 0.02%). This variant has not been reported in the literature in individuals affected with CPLANE1-related conditions. ClinVar contains an entry for this variant (Variation ID: 1361643). Advanced modeling of protein sequence and biophysical properties (such as structural, functional, and spatial information, amino acid conservation, physicochemical variation, residue mobility, and thermodynamic stability) has been performed at Invitae for this missense variant, however the output from this modeling did not meet the statistical confidence thresholds required to predict the impact of this variant on CPLANE1 protein function. In summary, the available evidence is currently insufficient to determine the role of this variant in disease. Therefore, it has been classified as a Variant of Uncertain Significance.